The following is an entry in ClinVar:

NM_003611.3(OFD1):c.237_243delinsGCCTA (p.Asp80fs)

Gene: OFD1 (OFD1 centriole and centriolar satellite protein; plus strand). Cytogenetic location: Xp22.2.
Variant type: Indel.
Coding change: c.237_243delinsGCCTA on transcript NM_003611.3 (MANE Select); coding-DNA positions 237 to 243, AGATCAC replaced by GCCTA.
Protein change: p.Asp80fs; shifts the reading frame from aspartic acid 80.
Molecular consequence: frameshift variant. On other transcripts: 5 prime UTR variant (1).
Genome position (GRCh38, 1-based): chrX:13,736,603-13,736,609, AGATCAC replaced by GCCTA. VCF-style: chrX-13736603-AGATCAC-GCCTA. GRCh37 (hg19) VCF-style: chrX-13754722-AGATCAC-GCCTA.
Other names: c.237_243delAGATCACinsGCCTA (NM_003611.3); c.237_243delinsGCCTA, p.Asp80fs (NM_001330209.2); c.-309_-303delinsGCCTA (NM_001330210.2); short protein forms D80fs.
Identifiers: ClinVar variation 1333492 (VCV001333492.1), dbSNP rs2146913390, ClinGen allele CA2573055118.
Genomic context (GRCh38, chrX:13,736,603, plus strand): 5'-TCGGTCCATTTCAGTAGAAGGGAGCTCCCTCTTAATAGGCGCCTCTAACTCTTTAGTGGC[AGATCAC>GCCTA]TTACAAAGATGTGGCTATGAATATTCACTTTCTGTTTTCTTTCCAGAAAGTGGTTTGGCA-3'

ClinVar aggregate classification (germline): Likely pathogenic (1 of 4 stars; one submission).

Conditions:
Orofaciodigital syndrome I (OFD1). Also called: Papillon-Leage and Psaume Syndrome; OFDS I; Oral-Facial-Digital Syndrome Type I. Identifiers: Orphanet 2750, MedGen C1510460, MONDO:0010702, OMIM 311200.

Submission:

3billion
Classification: Likely pathogenic for Orofaciodigital syndrome I. Last evaluated: 2022-01-03. Review status: criteria provided, single submitter. Criteria: ACMG Guidelines, 2015. Collection method: clinical testing. Allele origin: germline. Affected: yes. Observed: 1 heterozygote.
Comment: Frameshift: predicted to result in a loss or disruption of normal protein function through nonsense-mediated decay (NMD) or protein truncation. Multiple pathogenic variants are reported downstream of the variant (PVS1_VS). It is not observed in the gnomAD v2.1.1 dataset (PM2_M). Therefore, this variant is classified as likely pathogenic according to the recommendation of ACMG/AMP guideline.